The following is an entry in ClinVar:

NM_007214.5(SEC63):c.1165C>G (p.His389Asp)

Gene: SEC63 (SEC63 protein translocation regulator; minus strand). Cytogenetic location: 6q21.
Variant type: single nucleotide variant.
Coding change: c.1165C>G on transcript NM_007214.5 (MANE Select); coding-DNA position 1165, C replaced by G.
Protein change: p.His389Asp; replaces histidine 389 with aspartic acid.
Molecular consequence: missense variant.
Genome position (GRCh38, 1-based): chr6:107,902,888, G>C on the plus strand (C>G on the coding strand, the complement: SEC63 is on the minus strand). VCF-style: chr6-107902888-G-C. GRCh37 (hg19) VCF-style: chr6-108224092-G-C.
Other names: short protein forms H389D.
Identifiers: ClinVar variation 3706513 (VCV003706513.2).
Genomic context (GRCh38, chr6:107,902,888, plus strand): 5'-AGTAGCAAAGAATTACCTTCTTATGATTAGAAACCCGTCTAAGATTGTCCTCTTCAATAT[G>C]AGGGAGCTGCAGAAGGGGAGACTTAAATTGCTGAAGTCCCTGAACGGCCATCTGAGAAAG-3'
Protein context (NP_009145.1, residues 379-399): QFKSPLLQLP[His389Asp]IEEDNLRRVS

ClinVar aggregate classification (germline): Uncertain significance (1 of 4 stars; one submission).

gnomAD v4.1: 2 of 1,613,868 alleles (0.00012%); highest among the groups gnomAD compares: Non-Finnish European, 0.00017%; no homozygotes.

Submission:

Labcorp Genetics (formerly Invitae), Labcorp
Classification: Uncertain significance. Last evaluated: 2024-03-31. Review status: criteria provided, single submitter. Criteria: Invitae Variant Classification Sherloc (09022015). Collection method: clinical testing. Allele origin: germline.
Comment: This sequence change replaces histidine, which is basic and polar, with aspartic acid, which is acidic and polar, at codon 389 of the SEC63 protein (p.His389Asp). This variant is not present in population databases (gnomAD no frequency). This variant has not been reported in the literature in individuals affected with SEC63-related conditions. An algorithm developed to predict the effect of missense changes on protein structure and function (PolyPhen-2) suggests that this variant is likely to be disruptive. In summary, the available evidence is currently insufficient to determine the role of this variant in disease. Therefore, it has been classified as a Variant of Uncertain Significance.